The following is an entry in ClinVar:

ClinVar aggregate classification (germline): Benign (1 of 4 stars; one submission).

Conditions:
Lynch syndrome 5 (LYNCH5). Also called: Colorectal cancer, hereditary nonpolyposis, type 5; Hereditary non-polyposis colorectal cancer, type 5. Identifiers: Orphanet 144, MedGen C1833477, MONDO:0013710, OMIM 614350. Disease mechanism: loss of function.

Submission:

Myriad Genetics, Inc.
Classification: Benign for Lynch syndrome 5. Last evaluated: 2025-01-09. Review status: criteria provided, single submitter. Criteria: Myriad Autosomal Dominant, Autosomal Recessive and X-Linked Classification Criteria (2023). Collection method: clinical testing. Allele origin: unknown.
Comment: This variant is considered benign. This variant occurs in the non-coding 3' untranslated region of the gene, and is not expected to impact protein function.

NM_000179.3(MSH6):c.*3del

Gene: MSH6 (mutS homolog 6; plus strand). Cytogenetic location: 2p16.3.
Variant type: Deletion.
Coding change: c.*3del on transcript NM_000179.3 (MANE Select); 3 bases downstream of the stop codon, one base deleted (T; older notation c.*3delT).
Molecular consequence: 3 prime UTR variant. On other transcripts: non-coding transcript variant (5).
Genome position (GRCh38, 1-based): chr2:47,806,863, T deleted. VCF-style (leftmost placement, unchanged base first): chr2-47806862-CT-C. GRCh37 (hg19) VCF-style: chr2-48034001-CT-C.
Other names: c.*3del (NM_001281492.2, NM_001281493.2, NM_001281494.2 and 33 more transcripts); c.*107del (NM_001406800.1); c.*67del (NM_001406801.1, NM_001406802.1, NM_001406808.1 and 1 more transcripts).
Identifiers: ClinVar variation 3904354 (VCV003904354.1).
Genomic context (GRCh38, chr2:47,806,862, plus strand): 5'-GGTCAACTGTAGATGCTGAAGCTGTCCATAAATTGCTGACTTTGATTAAGGAATTATAGA[CT>C]GACTACATTGGAAGCTTTGAGTTGACTTCTGACAAAGGTGGTAAATTCAGACAACATTAT-3'